The following is an entry in ClinVar:

ClinVar aggregate classification (germline): Uncertain significance (1 of 4 stars; one submission).

Submission:

GeneDx
Classification: Uncertain significance. Last evaluated: 2024-11-14. Review status: criteria provided, single submitter. Criteria: GeneDx Variant Classification Process June 2021. Collection method: clinical testing. Allele origin: germline. Affected: yes.
Comment: Not observed at significant frequency in large population cohorts (gnomAD); In silico analysis supports that this missense variant has a deleterious effect on protein structure/function; Has not been previously published as pathogenic or benign to our knowledge

NM_004369.4(COL6A3):c.4994T>G (p.Ile1665Arg)

Gene: COL6A3 (collagen type VI alpha 3 chain; minus strand). Cytogenetic location: 2q37.3.
Variant type: single nucleotide variant.
Coding change: c.4994T>G on transcript NM_004369.4 (MANE Select); coding-DNA position 4994, T replaced by G.
Protein change: p.Ile1665Arg; replaces isoleucine 1665 with arginine.
Molecular consequence: missense variant.
Genome position (GRCh38, 1-based): chr2:237,367,193, A>C on the plus strand (T>G on the coding strand, the complement: COL6A3 is on the minus strand). VCF-style: chr2-237367193-A-C. GRCh37 (hg19) VCF-style: chr2-238275836-A-C.
Other names: c.3173T>G, p.Ile1058Arg (NM_057166.5); c.4376T>G, p.Ile1459Arg (NM_057167.4); short protein forms I1058R, I1459R, I1665R.
Identifiers: ClinVar variation 3899611 (VCV003899611.1).